The following is an entry in ClinVar:

NM_000553.6(WRN):c.1382_1383delinsTT (p.Thr461Ile)

Gene: WRN (WRN RecQ like helicase; plus strand). Cytogenetic location: 8p12.
Variant type: Indel.
Coding change: c.1382_1383delinsTT on transcript NM_000553.6 (MANE Select); coding-DNA positions 1382 to 1383, CG replaced by TT.
Protein change: p.Thr461Ile; replaces threonine 461 with isoleucine.
Molecular consequence: missense variant.
Genome position (GRCh38, 1-based): chr8:31,085,197-31,085,198, CG replaced by TT. VCF-style: chr8-31085197-CG-TT. GRCh37 (hg19) VCF-style: chr8-30942713-CG-TT.
Other names: c.1382_1383delinsTT (NM_000553.4); short protein forms T461I.
Identifiers: ClinVar variation 575229 (VCV000575229.6), dbSNP rs1563341342, ClinGen allele CA891843344.

ClinVar aggregate classification (germline): Uncertain significance (1 of 4 stars; one submission).

Conditions:
Werner syndrome (WRN). Identifiers: Orphanet 902, MedGen C0043119, MONDO:0010196, OMIM 277700.

Submission:

Labcorp Genetics (formerly Invitae), Labcorp
Classification: Uncertain significance for Werner syndrome. Last evaluated: 2024-12-05. Review status: criteria provided, single submitter. Criteria: Invitae Variant Classification Sherloc (09022015). Collection method: clinical testing. Allele origin: germline.
Comment: This sequence change replaces threonine, which is neutral and polar, with isoleucine, which is neutral and non-polar, at codon 461 of the WRN protein (p.Thr461Ile). The frequency data for this variant in the population databases is considered unreliable, as metrics indicate poor data quality at this position in the gnomAD database. This variant has not been reported in the literature in individuals affected with WRN-related conditions. ClinVar contains an entry for this variant (Variation ID: 575229). An algorithm developed to predict the effect of missense changes on protein structure and function outputs the following: PolyPhen-2: "Benign". The isoleucine amino acid residue is found in multiple mammalian species, which suggests that this missense change does not adversely affect protein function. In summary, the available evidence is currently insufficient to determine the role of this variant in disease. Therefore, it has been classified as a Variant of Uncertain Significance.